The following is an entry in ClinVar:

ClinVar aggregate classification (germline): Pathogenic (1 of 4 stars; one submission).

Conditions:
Triglyceride storage disease with ichthyosis (CDS). Also called: ICHTHYOSIFORM ERYTHRODERMA WITH LEUKOCYTE VACUOLATION; TRIGLYCERIDE STORAGE DISEASE WITH IMPAIRED LONG-CHAIN FATTY ACID OXIDATION; Chanarin-Dorfman Syndrome; Dorfman-Chanarin disease. Identifiers: Orphanet 98907, MedGen C0268238, MONDO:0010155, OMIM 275630.

Allele frequency attached by ClinVar (database versions not stated): TOPMed 0.00001; ExAC 0.00002; gnomAD exomes 0.00002.
gnomAD v4.1: 20 of 1,614,106 alleles (0.0012%); highest among the groups gnomAD compares: Middle Eastern, 0.016%; no homozygotes.

Submission:

Diagnostics Division, CENTRE FOR DNA FINGERPRINTING AND DIAGNOSTICS
Classification: Pathogenic for Triglyceride storage disease with ichthyosis. Review status: criteria provided, single submitter. Criteria: ACMG Guidelines, 2015. Collection method: research. Allele origin: germline. Inheritance: Autosomal recessive inheritance. Affected: yes. Observed: 1 homozygote.
Comment: Reported in Human Genome Mutation Database (HGMD ID: CM056285)

Nonsense variant

Literature cited by the submitters: PubMed 6181472.

NM_016006.6(ABHD5):c.934C>T (p.Arg312Ter)

Gene: ABHD5 (abhydrolase domain containing 5, lysophosphatidic acid acyltransferase; plus strand). Cytogenetic location: 3p21.33.
Variant type: single nucleotide variant.
Coding change: c.934C>T on transcript NM_016006.6 (MANE Select); coding-DNA position 934, C replaced by T.
Protein change: p.Arg312Ter; replaces arginine 312 with a stop codon.
Molecular consequence: nonsense. On other transcripts: non-coding transcript variant (1), intron variant (1).
Genome position (GRCh38, 1-based): chr3:43,717,831, C>T. VCF-style: chr3-43717831-C-T. GRCh37 (hg19) VCF-style: chr3-43759323-C-T.
Other names: c.934C>T, p.Arg312Ter (NM_001355186.2); c.811C>T, p.Arg271Ter (NM_001365649.1); c.774-612C>T (NM_001365650.1); short protein forms R312*, R271*.
Identifiers: ClinVar variation 619125 (VCV000619125.3), dbSNP rs761087968, ClinGen allele CA2341500.